The following is an entry in ClinVar:

ClinVar aggregate classification (germline): Uncertain significance. Review status: criteria provided, multiple submitters, no conflicts (2 of 4 stars). 2 submissions from 2 submitters: Uncertain significance (2). Last evaluated 2024-12-02.

Conditions:
MEGF10-related myopathy (CMYO10A). Also called: Congenital myopathy 10A, severe variant. Identifiers: Orphanet 439212, MedGen C3280679, MONDO:0013731, OMIM 614399.

Allele frequency attached by ClinVar (database versions not stated): TOPMed 0.00001.
gnomAD v4.1: 18 of 1,614,100 alleles (0.0011%); highest among the groups gnomAD compares: Admixed American, 0.013%; no homozygotes.

Submissions (2):

Labcorp Genetics (formerly Invitae), Labcorp
Classification: Uncertain significance for MEGF10-related myopathy. Last evaluated: 2024-12-02. Review status: criteria provided, single submitter. Criteria: Invitae Variant Classification Sherloc (09022015). Collection method: clinical testing. Allele origin: germline.
Comment: This sequence change replaces aspartic acid, which is acidic and polar, with asparagine, which is neutral and polar, at codon 190 of the MEGF10 protein (p.Asp190Asn). This variant is present in population databases (rs756704626, gnomAD 0.02%). This variant has not been reported in the literature in individuals affected with MEGF10-related conditions. ClinVar contains an entry for this variant (Variation ID: 1040023). Invitae Evidence Modeling of protein sequence and biophysical properties (such as structural, functional, and spatial information, amino acid conservation, physicochemical variation, residue mobility, and thermodynamic stability) indicates that this missense variant is not expected to disrupt MEGF10 protein function with a negative predictive value of 80%. In summary, the available evidence is currently insufficient to determine the role of this variant in disease. Therefore, it has been classified as a Variant of Uncertain Significance.

Revvity Omics, Revvity
Classification: Uncertain significance. Last evaluated: 2024-04-03. Review status: criteria provided, single submitter. Criteria: ACMG Guidelines, 2015. Collection method: clinical testing. Allele origin: germline.

NM_001256545.2(MEGF10):c.568G>A (p.Asp190Asn)

Gene: MEGF10 (multiple EGF like domains 10; plus strand). Cytogenetic location: 5q23.2.
Variant type: single nucleotide variant.
Coding change: c.568G>A on transcript NM_001256545.2 (MANE Select); coding-DNA position 568, G replaced by A.
Protein change: p.Asp190Asn; replaces aspartic acid 190 with asparagine.
Molecular consequence: missense variant.
Genome position (GRCh38, 1-based): chr5:127,396,687, G>A. VCF-style: chr5-127396687-G-A. GRCh37 (hg19) VCF-style: chr5-126732379-G-A.
Other names: c.568G>A, p.Asp190Asn (NM_001308119.2, NM_001308121.2, NM_032446.3); short protein forms D190N.
Identifiers: ClinVar variation 1040023 (VCV001040023.8), dbSNP rs756704626, ClinGen allele CA3391327.